The following is an entry in ClinVar:

ClinVar aggregate classification (germline): Conflicting classifications of pathogenicity. Review status: criteria provided, conflicting classifications (1 of 4 stars). 4 submissions from 4 submitters: Pathogenic (1); Likely pathogenic (1); Uncertain significance (2). Last evaluated 2026-04-01.

Conditions:
Autosomal recessive spinocerebellar ataxia 10. Identifiers: Orphanet 284289, MedGen C3150998, MONDO:0013392, OMIM 613728.

Allele frequency attached by ClinVar (database versions not stated): gnomAD exomes below 0.00001 and 0.00001; ExAC 0.00001; gnomAD 0.00001.
gnomAD v4.1: 5 of 1,597,408 alleles (0.00031%); highest among the groups gnomAD compares: Admixed American, 0.0017%; no homozygotes.

Submissions (4):

GeneDx
Classification: Likely pathogenic. Last evaluated: 2026-04-01. Review status: criteria provided, single submitter. Criteria: GeneDx Variant Classification Process June 2021. Collection method: clinical testing. Allele origin: germline. Affected: yes.
Comment: Canonical splice site variant predicted to result in an in-frame loss of the adjacent exon in a gene for which loss of function is a known mechanism of disease; Not observed at significant frequency in large population cohorts (gnomAD); Has not been previously published as pathogenic or benign to our knowledge

Mayo Clinic Laboratories, Mayo Clinic
Classification: Uncertain significance. Last evaluated: 2025-10-08. Review status: criteria provided, single submitter. Criteria: ACMG Guidelines, 2015. Collection method: clinical testing. Allele origin: germline. Observed: 1 variant allele.
Comment: PM2_supporting, PVS1_moderate

Laboratorio de Genetica e Diagnostico Molecular, Hospital Israelita Albert Einstein
Classification: Uncertain significance for Autosomal recessive spinocerebellar ataxia 10. Last evaluated: 2025-04-04. Review status: criteria provided, single submitter. Criteria: ACMG Guidelines, 2015. Collection method: clinical testing. Allele origin: germline. Affected: yes.
Comment: ACMG classification criteria: PVS1 moderate, PM2 supporting

Athena Diagnostics
Classification: Pathogenic. Last evaluated: 2018-08-27. Review status: criteria provided, single submitter. Criteria: Athena Diagnostics Criteria. Collection method: clinical testing. Allele origin: germline.
Comment: The variant disrupts a canonical splice site, and is therefore predicted to significantly disrupt the protein structure. Found in at least one symptomatic patient, and not found in general population data.

NM_018075.5(ANO10):c.338-2A>G

Gene: ANO10 (anoctamin 10; minus strand). Cytogenetic location: 3p22.1.
Variant type: single nucleotide variant.
Coding change: c.338-2A>G on transcript NM_018075.5 (MANE Select); the canonical splice acceptor site of the intron before coding-DNA position 338, A replaced by G.
Molecular consequence: splice acceptor variant. On other transcripts: intron variant (1).
Genome position (GRCh38, 1-based): chr3:43,598,668, T>C on the plus strand (A>G on the coding strand, the complement: ANO10 is on the minus strand). VCF-style: chr3-43598668-T-C. GRCh37 (hg19) VCF-style: chr3-43640160-T-C.
Other names: c.140-2A>G (NM_001346469.2, NM_001204832.3, NM_001346466.2); c.338-2A>G (NM_001346468.2, NM_001204834.3, NM_001346465.2 and 4 more transcripts); c.139+7046A>G (NM_001204833.3).
Identifiers: ClinVar variation 421009 (VCV000421009.6), dbSNP rs761765455, ClinGen allele CA2341078.
Genomic context (GRCh38, chr3:43,598,668, plus strand): 5'-AAGTTCATGTTTGATAATGAATTGACATTCTGCCATTGTCAGGAAATCATCATTGTTATC[T>C]AAAATAAAACAGAAATTACCAGATTTTAGTAATAATCAAAATAAAAATATTCCAATTACC-3'